The following is an entry in ClinVar:

NM_001232.4(CASQ2):c.940-60G>T

Gene: CASQ2 (calsequestrin 2; minus strand). Cytogenetic location: 1p13.1.
Variant type: single nucleotide variant.
Coding change: c.940-60G>T on transcript NM_001232.4 (MANE Select); 60 bases into the intron before coding-DNA position 940, G replaced by T.
Molecular consequence: intron variant.
Genome position (GRCh38, 1-based): chr1:115,703,055, C>A on the plus strand (G>T on the coding strand, the complement: CASQ2 is on the minus strand). VCF-style: chr1-115703055-C-A. GRCh37 (hg19) VCF-style: chr1-116245676-C-A.
Identifiers: ClinVar variation 675505 (VCV000675505.2), dbSNP rs28730714, ClinGen allele CA29608074.
Genomic context (GRCh38, chr1:115,703,055, plus strand): 5'-GCTGCAGCAACAAAAAAATAAGATTAGACAGCAGGCAGAGGGCATTCTCTGTTAAGGACC[C>A]ACCCGCCGTCCCATCACAGTAACTAGGTCACCATTGGTTAAAGGTCTTCAAAACAGCTGT-3'

ClinVar aggregate classification (germline): Benign. Review status: criteria provided, multiple submitters, no conflicts (2 of 4 stars). 2 submissions from 2 submitters: Benign (2). Last evaluated 2018-06-16.

Allele frequency attached by ClinVar (database versions not stated): gnomAD exomes 0.00228; ESP Exome Variant Server 0.01708; 1000 Genomes Project 0.01757; 1000 Genomes Project 30x 0.01921; gnomAD 0.01972 and 0.02119; TOPMed 0.02228.
gnomAD v4.1: 5,827 of 1,325,580 alleles (0.44%); highest among the groups gnomAD compares: African/African-American, 6.7%; 168 homozygotes.

Submissions (2):

GeneDx
Classification: Benign. Last evaluated: 2018-06-16. Review status: criteria provided, single submitter. Criteria: GeneDx Variant Classification (06012015). Collection method: clinical testing. Allele origin: germline. Affected: yes.
Comment: This variant is considered likely benign or benign based on one or more of the following criteria: it is a conservative change, it occurs at a poorly conserved position in the protein, it is predicted to be benign by multiple in silico algorithms, and/or has population frequency not consistent with disease.

Breakthrough Genomics
Classification: Benign. Review status: criteria provided, single submitter. Criteria: ACMG Guidelines, 2015. Collection method: not provided. Allele origin: germline. Inheritance: Autosomal recessive inheritance. Affected: yes.